The following is an entry in ClinVar:

ClinVar aggregate classification (germline): Conflicting classifications of pathogenicity. Review status: criteria provided, conflicting classifications (1 of 4 stars). 2 submissions from 2 submitters: Uncertain significance (1); Likely benign (1). Last evaluated 2025-08-24.

Conditions:
Hereditary cancer-predisposing syndrome. Also called: Neoplastic Syndromes, Hereditary; Hereditary neoplastic syndrome; Tumor predisposition; Hereditary Cancer Syndrome. Identifiers: Orphanet 140162, MedGen C0027672, MeSH D009386, MONDO:0015356.
Neuroblastoma, susceptibility to, 3. Also called: ALK-Related Neuroblastic Tumor Susceptibility. Identifiers: Orphanet 635, MedGen C2751681, MONDO:0013083, OMIM 613014.

Allele frequency attached by ClinVar (database versions not stated): gnomAD exomes below 0.00001 and 0.00001; ExAC 0.00002.
gnomAD v4.1: 6 of 1,614,172 alleles (0.00037%); highest among the groups gnomAD compares: South Asian, 0.0044%; 1 homozygote.

Submissions (2):

Labcorp Genetics (formerly Invitae), Labcorp
Classification: Uncertain significance for Neuroblastoma, susceptibility to, 3. Last evaluated: 2025-08-24. Review status: criteria provided, single submitter. Criteria: Invitae Variant Classification Sherloc (09022015). Collection method: clinical testing. Allele origin: germline.
Comment: This sequence change replaces threonine, which is neutral and polar, with isoleucine, which is neutral and non-polar, at codon 429 of the ALK protein (p.Thr429Ile). The frequency data for this variant in the population databases is considered unreliable, as metrics indicate poor data quality at this position in the gnomAD database. This variant has not been reported in the literature in individuals affected with ALK-related conditions. ClinVar contains an entry for this variant (Variation ID: 839644). An algorithm developed to predict the effect of missense changes on protein structure and function (PolyPhen-2) suggests that this variant is likely to be tolerated. In summary, the available evidence is currently insufficient to determine the role of this variant in disease. Therefore, it has been classified as a Variant of Uncertain Significance.

Ambry Genetics
Classification: Likely benign for Hereditary cancer-predisposing syndrome. Last evaluated: 2025-07-09. Review status: criteria provided, single submitter. Criteria: Ambry Variant Classification Scheme 2023. Collection method: clinical testing. Allele origin: germline.

NM_004304.5(ALK):c.1286C>T (p.Thr429Ile)

Gene: ALK (ALK receptor tyrosine kinase; minus strand). Cytogenetic location: 2p23.2.
Variant type: single nucleotide variant.
Coding change: c.1286C>T on transcript NM_004304.5 (MANE Select); coding-DNA position 1286, C replaced by T.
Protein change: p.Thr429Ile; replaces threonine 429 with isoleucine.
Molecular consequence: missense variant.
Genome position (GRCh38, 1-based): chr2:29,328,478, G>A on the plus strand (C>T on the coding strand, the complement: ALK is on the minus strand). VCF-style: chr2-29328478-G-A. GRCh37 (hg19) VCF-style: chr2-29551344-G-A.
Other names: short protein forms T429I.
Identifiers: ClinVar variation 839644 (VCV000839644.10), dbSNP rs775129242, ClinGen allele CA1594688.